The following is an entry in ClinVar:

ClinVar aggregate classification (germline): Uncertain significance. Review status: criteria provided, multiple submitters, no conflicts (2 of 4 stars). 2 submissions from 2 submitters: Uncertain significance (2). Last evaluated 2025-05-25.

Conditions:
Cardiovascular phenotype. Identifiers: MedGen CN230736.
Cardiomyopathy (CMYO). Also called: Cardiomyopathies. Identifiers: Orphanet 167848, MedGen C0878544, MONDO:0004994, HP:0001638. Inheritance: Various modes of inheritance.

gnomAD v4.1: 4 of 1,505,734 alleles (0.00027%); highest among the groups gnomAD compares: Non-Finnish European, 0.00009%; no homozygotes.

Submissions (2):

Color Diagnostics, LLC DBA Color Health
Classification: Uncertain significance for Cardiomyopathy. Last evaluated: 2025-05-25. Review status: criteria provided, single submitter. Criteria: ACMG Guidelines, 2015. Collection method: clinical testing. Allele origin: germline.
Comment: This missense variant replaces arginine with serine at codon 3298 of the RYR2 protein. Computational prediction is inconclusive regarding the impact of this variant on protein structure and function. To our knowledge, functional studies have not been reported for this variant. This variant has not been reported in individuals affected with RYR2-related disorders in the literature. This variant has not been identified in the general population by the Genome Aggregation Database (gnomAD). The available evidence is insufficient to determine the role of this variant in disease conclusively. Therefore, this variant is classified as a Variant of Uncertain Significance.

Ambry Genetics
Classification: Uncertain significance for Cardiovascular phenotype. Last evaluated: 2025-02-21. Review status: criteria provided, single submitter. Criteria: Ambry Variant Classification Scheme 2023. Collection method: clinical testing. Allele origin: germline.
Comment: The p.R3298S variant (also known as c.9894G>C), located in coding exon 68 of the RYR2 gene, results from a G to C substitution at nucleotide position 9894. The arginine at codon 3298 is replaced by serine, an amino acid with dissimilar properties. This amino acid position is highly conserved in available vertebrate species. In addition, the in silico prediction for this alteration is inconclusive. Based on the available evidence, the clinical significance of this variant remains unclear.

NM_001035.3(RYR2):c.9894G>C (p.Arg3298Ser)

Gene: RYR2 (ryanodine receptor 2; plus strand). Cytogenetic location: 1q43.
Variant type: single nucleotide variant.
Coding change: c.9894G>C on transcript NM_001035.3 (MANE Select); coding-DNA position 9894, G replaced by C.
Protein change: p.Arg3298Ser; replaces arginine 3298 with serine.
Molecular consequence: missense variant.
Genome position (GRCh38, 1-based): chr1:237,707,262, G>C. VCF-style: chr1-237707262-G-C. GRCh37 (hg19) VCF-style: chr1-237870562-G-C.
Other names: short protein forms R3298S.
Identifiers: ClinVar variation 3791604 (VCV003791604.2).